The following is an entry in ClinVar:

NM_000262.3(NAGA):c.70C>T (p.Gln24Ter)

Genes: NAGA (alpha-N-acetylgalactosaminidase; minus strand), LOC126863160 (CDK7 strongly-dependent group 2 enhancer GRCh37_chr22:42462918-42464117; plus strand). Cytogenetic location: 22q13.2.
Variant type: single nucleotide variant.
Coding change: c.70C>T on transcript NM_000262.3 (MANE Select); coding-DNA position 70, C replaced by T.
Protein change: p.Gln24Ter; replaces glutamine 24 with a stop codon.
Molecular consequence: nonsense.
Genome position (GRCh38, 1-based): chr22:42,068,521, G>A on the plus strand (C>T on the coding strand, the complement: NAGA is on the minus strand). VCF-style: chr22-42068521-G-A. GRCh37 (hg19) VCF-style: chr22-42464525-G-A.
Other names: c.70C>T, p.Gln24Ter (NM_001362848.1, NM_001362850.1); short protein forms Q24*.
Identifiers: ClinVar variation 2697112 (VCV002697112.3), dbSNP rs1348362674, ClinGen allele CA411769590.

ClinVar aggregate classification (germline): Pathogenic (1 of 4 stars; one submission).

Conditions:
Alpha-N-acetylgalactosaminidase deficiency type 1. Also called: SCHINDLER DISEASE, TYPE I; ALPHA-N-ACETYLGALACTOSAMINIDASE DEFICIENCY, TYPE I; NAGA DEFICIENCY, TYPE I; NEUROAXONAL DYSTROPHY, SCHINDLER TYPE. Identifiers: Orphanet 3137, Orphanet 79279, Orphanet 79281, MedGen C1836544, MONDO:0012221, OMIM 609241.

Allele frequency attached by ClinVar (database versions not stated): gnomAD exomes below 0.00001.
gnomAD v4.1: 1 of 1,614,198 alleles (0.000062%); highest among the groups gnomAD compares: East Asian, 0.0022%; no homozygotes.

Submission:

Labcorp Genetics (formerly Invitae), Labcorp
Classification: Pathogenic for Alpha-N-acetylgalactosaminidase deficiency type 1. Last evaluated: 2023-11-18. Review status: criteria provided, single submitter. Criteria: Invitae Variant Classification Sherloc (09022015). Collection method: clinical testing. Allele origin: germline.
Comment: This sequence change creates a premature translational stop signal (p.Gln24*) in the NAGA gene. It is expected to result in an absent or disrupted protein product. Loss-of-function variants in NAGA are known to be pathogenic (PMID: 8782044, 11251574). This variant is present in population databases (no rsID available, gnomAD 0.006%). This variant has not been reported in the literature in individuals affected with NAGA-related conditions. For these reasons, this variant has been classified as Pathogenic.

Literature cited by the submitters: PubMed 8782044; PubMed 11251574.